The following is an entry in ClinVar:

ClinVar aggregate classification (germline): Uncertain significance (1 of 4 stars; one submission).

Conditions:
COMP-related disorder. Also called: COMP-related condition; COMP-related disorders.

Allele frequency attached by ClinVar (database versions not stated): gnomAD exomes below 0.00001.
gnomAD v4.1: 4 of 1,611,664 alleles (0.00025%); highest among the groups gnomAD compares: Non-Finnish European, 0.00034%; no homozygotes.

Submission:

Illumina Laboratory Services, Illumina
Classification: Uncertain significance for COMP-Related Disorders. Last evaluated: 2017-04-27. Review status: criteria provided, single submitter. Criteria: ICSL Variant Classification Criteria 13 December 2019. Collection method: clinical testing. Allele origin: germline.
Comment: This variant was observed as part of a predisposition screen in an ostensibly healthy population. A literature search was performed for the gene, cDNA change, and amino acid change (where applicable). Publications were found based on this search. However, the evidence from the literature, in combination with allele frequency data from public databases where available, was not sufficient to rule this variant in or out of causing disease. Therefore, this variant is classified as a variant of unknown significance.

Literature cited by the submitters: PubMed 10405447.

NM_000095.3(COMP):c.876C>A (p.Cys292Ter)

Gene: COMP (cartilage oligomeric matrix protein; minus strand). Cytogenetic location: 19p13.11.
Variant type: single nucleotide variant.
Coding change: c.876C>A on transcript NM_000095.3 (MANE Select); coding-DNA position 876, C replaced by A.
Protein change: p.Cys292Ter; replaces cysteine 292 with a stop codon.
Molecular consequence: nonsense.
Genome position (GRCh38, 1-based): chr19:18,788,311, G>T on the plus strand (C>A on the coding strand, the complement: COMP is on the minus strand). VCF-style: chr19-18788311-G-T. GRCh37 (hg19) VCF-style: chr19-18899120-G-T.
Other names: short protein forms C292*.
Identifiers: ClinVar variation 891983 (VCV000891983.4), dbSNP rs923884041, ClinGen allele CA306257534.
Genomic context (GRCh38, chr19:18,788,311, plus strand): 5'-GCAGGCGTCTCCGATGCCATCGCGGTCCACATCCTCCTGCCCTGAGTTGGGCACAGTCAC[G>T]CAGTTGTCCTGGGGGCGGGCACAGAAGGTGTGAGGGGCGCGGTCATGAAGTCCCGCCCTC-3'